The following is an entry in ClinVar:

NM_002528.7(NTHL1):c.791+2T>C

Gene: NTHL1 (nth like DNA glycosylase 1; minus strand). Cytogenetic location: 16p13.3.
Variant type: single nucleotide variant.
Coding change: c.791+2T>C on transcript NM_002528.7 (MANE Select); the canonical splice donor site of the intron after coding-DNA position 791, T replaced by C.
Molecular consequence: splice donor variant.
Genome position (GRCh38, 1-based): chr16:2,040,131, A>G on the plus strand (T>C on the coding strand, the complement: NTHL1 is on the minus strand). VCF-style: chr16-2040131-A-G. GRCh37 (hg19) VCF-style: chr16-2090132-A-G.
Other names: c.461+2T>C (NM_001318194.2); c.620+2T>C (NM_001318193.2).
Identifiers: ClinVar variation 949095 (VCV000949095.12), dbSNP rs2084241095, ClinGen allele CA394288571.

ClinVar aggregate classification (germline): Conflicting classifications of pathogenicity. Review status: criteria provided, conflicting classifications (1 of 4 stars). 3 submissions from 3 submitters: Pathogenic (1); Likely pathogenic (1); Uncertain significance (1). Last evaluated 2025-07-24.

Conditions:
Hereditary cancer-predisposing syndrome. Also called: Neoplastic Syndromes, Hereditary; Tumor predisposition; Hereditary Cancer Syndrome; Hereditary neoplastic syndrome. Identifiers: Orphanet 140162, MedGen C0027672, MeSH D009386, MONDO:0015356.
Familial adenomatous polyposis 3. Also called: NTHL1-associated polyposis; NTHL1 Tumor Syndrome; NTHL1-Related Adenomatous Polyposis and Colorectal Cancer; NTHL1-related attenuated familial adenomatous polyposis. Identifiers: Orphanet 220460, Orphanet 454840, MedGen C4225157, MONDO:0014630, OMIM 616415.

Allele frequency attached by ClinVar (database versions not stated): gnomAD exomes below 0.00001.
gnomAD v4.1: 2 of 1,613,338 alleles (0.00012%); highest among the groups gnomAD compares: South Asian, 0.0022%; no homozygotes.

Submissions (3):

Labcorp Genetics (formerly Invitae), Labcorp
Classification: Pathogenic. Last evaluated: 2025-07-24. Review status: criteria provided, single submitter. Criteria: Invitae Variant Classification Sherloc (09022015). Collection method: clinical testing. Allele origin: germline.
Comment: This sequence change affects a donor splice site in intron 5 of the NTHL1 gene. While this variant is not anticipated to result in nonsense mediated decay, it likely alters RNA splicing and results in a disrupted protein product. This variant is not present in population databases (gnomAD no frequency). This variant has not been reported in the literature in individuals affected with NTHL1-related conditions. ClinVar contains an entry for this variant (Variation ID: 949095). Variants that disrupt the consensus splice site are a relatively common cause of aberrant splicing (PMID: 17576681, 9536098). Algorithms developed to predict the effect of sequence changes on RNA splicing suggest that this variant may disrupt the consensus splice site. This variant disrupts a region of the NTHL1 protein in which other variant(s) (p.Gln287*) have been determined to be pathogenic (PMID: 27329137, 30552997, 30753826; internal data). This suggests that this is a clinically significant region of the protein, and that variants that disrupt it are likely to be disease-causing. For these reasons, this variant has been classified as Pathogenic.

Ambry Genetics
Classification: Uncertain significance for Hereditary cancer-predisposing syndrome. Last evaluated: 2025-04-28. Review status: criteria provided, single submitter. Criteria: Ambry Variant Classification Scheme 2023. Collection method: clinical testing. Allele origin: germline.
Comment: The c.815+2T>C intronic variant results from a T to C substitution two nucleotide after coding exon 5 of the NTHL1 gene. Alterations that disrupt the canonical splice site are expected to result in aberrant splicing. In silico splice site analysis predicts that this alteration will weaken the native splice donor site and may result in the creation or strengthening of a novel splice donor site. RNA studies have demonstrated that this alteration results in a transcript predicted to lead to a protein with an in-frame insertion of two amino acids; however, the exact functional impact of the inserted amino acids is unknown at this time (Ambry internal data). This nucleotide position is highly conserved in available vertebrate species. Since supporting evidence is limited at this time, the clinical significance of this alteration remains unclear.

Baylor Genetics
Classification: Likely pathogenic for Familial adenomatous polyposis 3. Last evaluated: 2023-09-06. Review status: criteria provided, single submitter. Criteria: ACMG Guidelines, 2015. Collection method: clinical testing. Allele origin: unknown.

Literature cited by the submitters: PubMed 17576681 (cited by Labcorp Genetics (formerly Invitae), Labcorp); PubMed 9536098 (cited by Labcorp Genetics (formerly Invitae), Labcorp); PubMed 27329137 (cited by Labcorp Genetics (formerly Invitae), Labcorp); PubMed 30552997 (cited by Labcorp Genetics (formerly Invitae), Labcorp); PubMed 30753826 (cited by Labcorp Genetics (formerly Invitae), Labcorp).